The following is an entry in ClinVar:

NM_032043.3(BRIP1):c.2299G>A (p.Glu767Lys)

Gene: BRIP1 (BRCA1 interacting DNA helicase 1; minus strand). Cytogenetic location: 17q23.2.
Variant type: single nucleotide variant.
Coding change: c.2299G>A on transcript NM_032043.3 (MANE Select); coding-DNA position 2299, G replaced by A.
Protein change: p.Glu767Lys; replaces glutamic acid 767 with lysine.
Molecular consequence: missense variant.
Genome position (GRCh38, 1-based): chr17:61,743,093, C>T on the plus strand (G>A on the coding strand, the complement: BRIP1 is on the minus strand). VCF-style: chr17-61743093-C-T. GRCh37 (hg19) VCF-style: chr17-59820454-C-T.
Other names: short protein forms E767K.
Identifiers: ClinVar variation 4792679 (VCV004792679.1).

ClinVar aggregate classification (germline): Uncertain significance (1 of 4 stars; one submission).

Conditions:
Fanconi anemia complementation group J. Also called: BRIP1-Related Fanconi Anemia. Identifiers: Orphanet 84, MedGen C1836860, MONDO:0012187, OMIM 609054.
Familial cancer of breast. Also called: BREAST CANCER, FAMILIAL; Hereditary breast cancer; hereditary breast carcinoma. Identifiers: Orphanet 227535, MedGen C0346153, MONDO:0016419, OMIM 114480. Disease mechanism: loss of function.

Submission:

Labcorp Genetics (formerly Invitae), Labcorp
Classification: Uncertain significance for Familial cancer of breast; Fanconi anemia complementation group J. Last evaluated: 2025-10-23. Review status: criteria provided, single submitter. Criteria: Invitae Variant Classification Sherloc (09022015). Collection method: clinical testing. Allele origin: germline.
Comment: This sequence change replaces glutamic acid, which is acidic and polar, with lysine, which is basic and polar, at codon 767 of the BRIP1 protein (p.Glu767Lys). This variant is not present in population databases (gnomAD no frequency). This variant has not been reported in the literature in individuals affected with BRIP1-related conditions. Invitae Evidence Modeling of protein sequence and biophysical properties (such as structural, functional, and spatial information, amino acid conservation, physicochemical variation, residue mobility, and thermodynamic stability) indicates that this missense variant is expected to disrupt BRIP1 protein function with a positive predictive value of 95%. In summary, the available evidence is currently insufficient to determine the role of this variant in disease. Therefore, it has been classified as a Variant of Uncertain Significance.